The following is an entry in ClinVar:

ClinVar aggregate classification (germline): Benign/Likely benign. Review status: criteria provided, multiple submitters, no conflicts (2 of 4 stars). 3 submissions from 3 submitters: Benign (1); Likely benign (2). Last evaluated 2023-03-09.

Conditions:
Malignant hyperthermia, susceptibility to, 5 (MHS5). Also called: CACNA1S-Related Malignant Hyperthermia Susceptibility. Identifiers: Orphanet 423, MedGen C1866077, MONDO:0011163, OMIM 601887.
Hypokalemic periodic paralysis, type 1. Also called: Hypokalemic Periodic Paralysis Type 1 (AD); HypoPP. Identifiers: Orphanet 681, MedGen C3714580, MONDO:0042979, OMIM 170400.

Submissions (3):

All of Us Research Program, National Institutes of Health
Classification: Likely benign for Malignant hyperthermia, susceptibility to, 5. Last evaluated: 2023-03-09. Review status: criteria provided, single submitter. Criteria: ACMG Guidelines, 2015. Collection method: clinical testing. Allele origin: germline. Inheritance: Autosomal dominant inheritance. Observed: 1 variant allele, 1 heterozygote.
Comment: This study involves interpretation of variants in research participants for the purpose of population health screening. Participant phenotype was not available at the time of variant classification. Additional details can be found in publication PMID: 35346344, PMCID: PMC8962531

Color Diagnostics, LLC DBA Color Health
Classification: Likely benign for Malignant hyperthermia, susceptibility to, 5. Last evaluated: 2023-03-02. Review status: criteria provided, single submitter. Criteria: ACMG Guidelines, 2015. Collection method: clinical testing. Allele origin: germline.

Labcorp Genetics (formerly Invitae), Labcorp
Classification: Benign for Hypokalemic periodic paralysis, type 1; Malignant hyperthermia, susceptibility to, 5. Last evaluated: 2022-08-01. Review status: criteria provided, single submitter. Criteria: Invitae Variant Classification Sherloc (09022015). Collection method: clinical testing. Allele origin: germline.

NM_000069.3(CACNA1S):c.3054-3del

Gene: CACNA1S (calcium voltage-gated channel subunit alpha1 S; minus strand). Cytogenetic location: 1q32.1.
Variant type: Deletion.
Coding change: c.3054-3del on transcript NM_000069.3 (MANE Select); 3 bases into the intron before coding-DNA position 3054, one base deleted (C; older notation c.3054-3delC).
Molecular consequence: intron variant.
Genome position (GRCh38, 1-based): chr1:201,061,471, G deleted on the plus strand (C on the coding strand, the reverse complement: CACNA1S is on the minus strand); the first of 5 consecutive G bases (chr1:201,061,471-201,061,475); deleting any one gives the same sequence. VCF-style (leftmost placement, unchanged base first): chr1-201061470-TG-T. GRCh37 (hg19) VCF-style: chr1-201030598-TG-T.
Identifiers: ClinVar variation 2175939 (VCV002175939.6), dbSNP rs1661047672, ClinGen allele CA1219578882.